The following is an entry in ClinVar:

NM_003072.5(SMARCA4):c.1028T>C (p.Val343Ala)

Gene: SMARCA4 (SWI/SNF related BAF chromatin remodeling complex subunit ATPase 4; plus strand). Cytogenetic location: 19p13.2.
Variant type: single nucleotide variant.
Coding change: c.1028T>C on transcript NM_003072.5 (MANE Select); coding-DNA position 1028, T replaced by C.
Protein change: p.Val343Ala; replaces valine 343 with alanine.
Molecular consequence: missense variant. On other transcripts: non-coding transcript variant (1).
Genome position (GRCh38, 1-based): chr19:10,987,834, T>C. VCF-style: chr19-10987834-T-C. GRCh37 (hg19) VCF-style: chr19-11098510-T-C.
Other names: c.1028T>C, p.Val343Ala (NM_001128844.3, NM_001128845.2, NM_001128846.2 and 5 more transcripts); short protein forms V343A.
Identifiers: ClinVar variation 568800 (VCV000568800.9), dbSNP rs1568427296, ClinGen allele CA404058665.

ClinVar aggregate classification (germline): Conflicting classifications of pathogenicity. Review status: criteria provided, conflicting classifications (1 of 4 stars). 4 submissions from 4 submitters: Uncertain significance (3); Likely benign (1). Last evaluated 2024-10-07.

Conditions:
Hereditary cancer-predisposing syndrome. Also called: Hereditary neoplastic syndrome; Neoplastic Syndromes, Hereditary; Hereditary Cancer Syndrome; Tumor predisposition. Identifiers: Orphanet 140162, MedGen C0027672, MeSH D009386, MONDO:0015356.
SMARCA4-related disorder. Also called: SMARCA4-related condition.
Rhabdoid tumor predisposition syndrome 2 (RTPS2). Identifiers: Orphanet 231108, Orphanet 69077, MedGen C2750074, MONDO:0013224, OMIM 613325.

Allele frequency attached by ClinVar (database versions not stated): gnomAD exomes below 0.00001.
gnomAD v4.1: 3 of 1,610,410 alleles (0.00019%); highest among the groups gnomAD compares: Non-Finnish European, 0.000085%; no homozygotes.

Submissions (4):

Ambry Genetics
Classification: Likely benign for Hereditary cancer-predisposing syndrome. Last evaluated: 2024-10-07. Review status: criteria provided, single submitter. Criteria: Ambry Variant Classification Scheme 2023. Collection method: clinical testing. Allele origin: germline.

Labcorp Genetics (formerly Invitae), Labcorp
Classification: Uncertain significance for Rhabdoid tumor predisposition syndrome 2. Last evaluated: 2024-06-07. Review status: criteria provided, single submitter. Criteria: Invitae Variant Classification Sherloc (09022015). Collection method: clinical testing. Allele origin: germline.
Comment: This sequence change replaces valine, which is neutral and non-polar, with alanine, which is neutral and non-polar, at codon 343 of the SMARCA4 protein (p.Val343Ala). This variant is not present in population databases (gnomAD no frequency). This variant has not been reported in the literature in individuals affected with SMARCA4-related conditions. ClinVar contains an entry for this variant (Variation ID: 568800). Advanced modeling of protein sequence and biophysical properties (such as structural, functional, and spatial information, amino acid conservation, physicochemical variation, residue mobility, and thermodynamic stability) performed at Invitae indicates that this missense variant is not expected to disrupt SMARCA4 protein function with a negative predictive value of 95%. In summary, the available evidence is currently insufficient to determine the role of this variant in disease. Therefore, it has been classified as a Variant of Uncertain Significance.

PreventionGenetics, part of Exact Sciences
Classification: Uncertain significance for SMARCA4-related condition. Last evaluated: 2023-02-08. Review status: criteria provided, single submitter. Criteria: ACMG Guidelines, 2015. Collection method: clinical testing. Allele origin: germline.
Comment: The SMARCA4 c.1028T>C variant is predicted to result in the amino acid substitution p.Val343Ala. To our knowledge, this variant has not been reported in the literature or in a large population database, indicating this variant is rare. It is interpreted as uncertain significance in ClinVar. At this time, the clinical significance of this variant is uncertain due to the absence of conclusive functional and genetic evidence.

Blueprint Genetics
Classification: Uncertain significance. Last evaluated: 2022-07-12. Review status: criteria provided, single submitter. Criteria: ACMG Guidelines, 2015. Collection method: clinical testing. Allele origin: germline.